The following is an entry in ClinVar:

ClinVar aggregate classification (germline): Benign/Likely benign. Review status: criteria provided, multiple submitters, no conflicts (2 of 4 stars). 5 submissions from 5 submitters: Benign (1); Likely benign (3). 1 of the submissions does not count toward it. Last evaluated 2025-10-18.

Conditions:
DVL1-related disorder. Also called: DVL1-related condition.

Allele frequency attached by ClinVar (database versions not stated): ESP Exome Variant Server 0.00015; gnomAD 0.00017 and 0.00023; TOPMed 0.00017; gnomAD exomes 0.00024 and 0.00029; ExAC 0.00028.

Submissions (5):

Labcorp Genetics (formerly Invitae), Labcorp
Classification: Benign. Last evaluated: 2025-10-18. Review status: criteria provided, single submitter. Criteria: Invitae Variant Classification Sherloc (09022015). Collection method: clinical testing. Allele origin: germline.

Blueprint Genetics
Classification: Likely benign. Last evaluated: 2024-07-02. Review status: criteria provided, single submitter. Criteria: ACMG Guidelines, 2015. Collection method: clinical testing. Allele origin: germline.

CeGaT Center for Human Genetics Tuebingen
Classification: Likely benign. Last evaluated: 2022-05-01. Review status: criteria provided, single submitter. Criteria: CeGaT Center For Human Genetics Tuebingen Variant Classification Criteria Version 2. Collection method: clinical testing. Allele origin: germline. Affected: yes. Observed: 1 variant allele.
Comment: DVL1: BP4, BP7

GeneDx
Classification: Likely benign. Last evaluated: 2020-11-12. Review status: criteria provided, single submitter. Criteria: GeneDx Variant Classification Process June 2021. Collection method: clinical testing. Allele origin: germline. Affected: yes.

PreventionGenetics, part of Exact Sciences
Classification: Likely benign for DVL1-related condition. Last evaluated: 2022-05-04. Review status: no assertion criteria provided. Collection method: clinical testing. Allele origin: germline. Not counted in ClinVar's aggregate classification.
Comment: This variant is classified as likely benign based on ACMG/AMP sequence variant interpretation guidelines (Richards et al. 2015 PMID: 25741868, with internal and published modifications).

NM_001330311.2(DVL1):c.177G>A (p.Val59=)

Gene: DVL1 (dishevelled segment polarity protein 1; minus strand). Cytogenetic location: 1p36.33.
Variant type: single nucleotide variant.
Coding change: c.177G>A on transcript NM_001330311.2 (MANE Select); coding-DNA position 177, G replaced by A.
Protein change: p.Val59=; no amino-acid change (valine 59 retained).
Molecular consequence: synonymous variant.
Genome position (GRCh38, 1-based): chr1:1,342,752, C>T on the plus strand (G>A on the coding strand, the complement: DVL1 is on the minus strand). VCF-style: chr1-1342752-C-T. GRCh37 (hg19) VCF-style: chr1-1278132-C-T.
Other names: c.177G>A, p.Val59= (NM_004421.3).
Identifiers: ClinVar variation 1202732 (VCV001202732.34), dbSNP rs371315460, ClinGen allele CA520814.
Genomic context (GRCh38, chr1:1,342,752, plus strand): 5'-GGAGACCACGCGGCCGTTGAAGCAGGGAAGCTTGGCATTGTCATCAAAGATCTCCTCCTT[C>T]ACCACCCTGTGGGCATATGCTGCCGTGAGGCCCCACCTGGGGGGCCCAACCCTGCGGTTC-3'
Protein context (NP_001317240.1, residues 49-69): FKSMDQDFGV[Val59=]KEEIFDDNAK